The following is an entry in ClinVar:

ClinVar aggregate classification (germline): Uncertain significance (1 of 4 stars; one submission).

Conditions:
Hereditary cancer-predisposing syndrome. Also called: Hereditary Cancer Syndrome; Hereditary neoplastic syndrome; Tumor predisposition; Neoplastic Syndromes, Hereditary. Identifiers: Orphanet 140162, MedGen C0027672, MeSH D009386, MONDO:0015356.

Submission:

Ambry Genetics
Classification: Uncertain significance for Hereditary cancer-predisposing syndrome. Last evaluated: 2024-11-17. Review status: criteria provided, single submitter. Criteria: Ambry Variant Classification Scheme 2023. Collection method: clinical testing. Allele origin: germline.
Comment: The p.S1106R variant (also known as c.3318T>A), located in coding exon 20 of the ALK gene, results from a T to A substitution at nucleotide position 3318. The serine at codon 1106 is replaced by arginine, an amino acid with dissimilar properties. This amino acid position is conserved. In addition, this alteration is predicted to be deleterious by in silico analysis. Based on the available evidence, the clinical significance of this variant remains unclear.

NM_004304.5(ALK):c.3318T>A (p.Ser1106Arg)

Gene: ALK (ALK receptor tyrosine kinase; minus strand). Cytogenetic location: 2p23.2.
Variant type: single nucleotide variant.
Coding change: c.3318T>A on transcript NM_004304.5 (MANE Select); coding-DNA position 3318, T replaced by A.
Protein change: p.Ser1106Arg; replaces serine 1106 with arginine.
Molecular consequence: missense variant.
Genome position (GRCh38, 1-based): chr2:29,223,383, A>T on the plus strand (T>A on the coding strand, the complement: ALK is on the minus strand). VCF-style: chr2-29223383-A-T. GRCh37 (hg19) VCF-style: chr2-29446249-A-T.
Other names: c.114T>A, p.Ser38Arg (NM_001353765.2); short protein forms S1106R, S38R.
Identifiers: ClinVar variation 3523143 (VCV003523143.1).
Genomic context (GRCh38, chr2:29,223,383, plus strand): 5'-ACGGCAGCAGGGCGCTCACCGAATGAGGGTGATGTTTTTCCGCGGCACCTCCTTCAGGTC[A>T]CTGATGGAGGAGGTCTTGCCAGCAAAGCAGTAGTTGGGGTTGTAGTCGGTCATGATGGTC-3'
Protein context (NP_004295.2, residues 1096-1116): YCFAGKTSSI[Ser1106Arg]DLKEVPRKNI